The following is an entry in ClinVar:

NM_001271696.3(ABCB7):c.1235T>C (p.Met412Thr)

Gene: ABCB7 (ATP binding cassette subfamily B member 7; minus strand). Cytogenetic location: Xq13.3.
Variant type: single nucleotide variant.
Coding change: c.1235T>C on transcript NM_001271696.3 (MANE Select); coding-DNA position 1235, T replaced by C.
Protein change: p.Met412Thr; replaces methionine 412 with threonine.
Molecular consequence: missense variant.
Genome position (GRCh38, 1-based): chrX:75,070,495, A>G on the plus strand (T>C on the coding strand, the complement: ABCB7 is on the minus strand). VCF-style: chrX-75070495-A-G. GRCh37 (hg19) VCF-style: chrX-74290330-A-G.
Other names: c.1115T>C, p.Met372Thr (NM_001271697.3); c.1157T>C, p.Met386Thr (NM_001271698.3); c.1118T>C, p.Met373Thr (NM_001271699.3); c.1238T>C, p.Met413Thr (NM_004299.6); short protein forms M413T, M412T, M373T, M372T, M386T.
Identifiers: ClinVar variation 372878 (VCV000372878.2), dbSNP rs1057518042, ClinGen allele CA16043293.

ClinVar aggregate classification (germline): Likely pathogenic. Review status: criteria provided, single submitter (1 of 4 stars). 2 submissions from 2 submitters: Likely pathogenic (1). 1 of the submissions does not count toward it. Last evaluated 2023-02-23.

Conditions:
X-linked sideroblastic anemia with ataxia (SCAX6). Also called: SPINOCEREBELLAR ATAXIA, X-LINKED 6, WITH OR WITHOUT SIDEROBLASTIC ANEMIA. Identifiers: Orphanet 2802, MedGen C1845028, MONDO:0010524, OMIM 301310.

Submissions (2):

GeneDx
Classification: Likely pathogenic. Last evaluated: 2023-02-23. Review status: criteria provided, single submitter. Criteria: GeneDx Variant Classification Process June 2021. Collection method: clinical testing. Allele origin: germline. Affected: yes.
Comment: Not observed at significant frequency in large population cohorts (gnomAD); In silico analysis supports that this missense variant has a deleterious effect on protein structure/function; This variant is associated with the following publications: (PMID: 35599849)

Molecular Genetics Laboratory, BC Children's and BC Women's Hospitals
Classification: Likely pathogenic for X-linked sideroblastic anemia with ataxia. Last evaluated: 2017-07-06. Review status: no assertion criteria provided. Criteria: ACMG Guidelines, 2015. Collection method: clinical testing. Allele origin: de novo. Affected: yes. Not counted in ClinVar's aggregate classification.